The following is an entry in ClinVar:

NM_000155.4(GALT):c.968A>G (p.Tyr323Cys)

Gene: GALT (galactose-1-phosphate uridylyltransferase; plus strand). Cytogenetic location: 9p13.3.
Variant type: single nucleotide variant.
Coding change: c.968A>G on transcript NM_000155.4 (MANE Select); coding-DNA position 968, A replaced by G.
Protein change: p.Tyr323Cys; replaces tyrosine 323 with cysteine.
Molecular consequence: missense variant.
Genome position (GRCh38, 1-based): chr9:34,649,473, A>G. VCF-style: chr9-34649473-A-G. GRCh37 (hg19) VCF-style: chr9-34649470-A-G.
Other names: c.641A>G, p.Tyr214Cys (NM_001258332.2); short protein forms Y214C.
Identifiers: ClinVar variation 3768937 (VCV003768937.1), dbSNP rs367543267.
Genomic context (GRCh38, chr9:34,649,473, plus strand): 5'-CTCCCACAGGATCAGAGGCTGGGGCCAACTGGAACCATTGGCAGCTGCACGCTCATTACT[A>G]CCCTCCGCTCCTGCGCTCTGCCACTGTCCGGAAATTCATGGTTGGCTACGAAATGCTTGC-3'
Protein context (NP_000146.2, residues 313-333): WNHWQLHAHY[Tyr323Cys]PPLLRSATVR

ClinVar aggregate classification (germline): Likely pathogenic (1 of 4 stars; one submission).

Conditions:
Deficiency of UDPglucose-hexose-1-phosphate uridylyltransferase. Also called: Transferase Deficiency Galactosemia; GALACTOSE-1-PHOSPHATE URIDYLYLTRANSFERASE DEFICIENCY; GALACTOSEMIA I; GALT deficiency; Galactosemia, classic. Identifiers: Orphanet 352, Orphanet 79239, MedGen C0268151, MONDO:0009258, OMIM 230400.

gnomAD v4.1: 1 of 1,613,818 alleles (0.000062%); highest among the groups gnomAD compares: Non-Finnish European, 0.000085%; no homozygotes.

Submission:

Women's Health and Genetics/Laboratory Corporation of America, LabCorp
Classification: Likely pathogenic for Deficiency of UDPglucose-hexose-1-phosphate uridylyltransferase. Last evaluated: 2025-02-19. Review status: criteria provided, single submitter. Criteria: LabCorp Variant Classification Summary - May 2015. Collection method: clinical testing. Allele origin: germline.
Comment: Variant summary: GALT c.968A>G (p.Tyr323Cys) results in a non-conservative amino acid change in the encoded protein sequence. Five of five in-silico tools predict a damaging effect of the variant on protein function. The variant was absent in 251468 control chromosomes (gnomAD). c.968A>G has been reported in the literature in an individual affected with Galactosemia (Yuzyuk_2018). These data indicate that the variant may be associated with disease. At least one publication reports experimental evidence evaluating an impact on protein function, finding that the variant results in <10% of normal activity (Yuzyuk_2018). The following publication has been ascertained in the context of this evaluation (PMID: 30172461). No submitters have cited clinical-significance assessments for this variant to ClinVar. Based on the evidence outlined above, the variant was classified as likely pathogenic.

Literature cited by the submitters: PubMed 30172461.